The following is an entry in ClinVar:

NM_018139.3(DNAAF2):c.1089del (p.Ala364fs)

Genes: DNAAF2 (dynein axonemal assembly factor 2; minus strand), LOC130055542 (ATAC-STARR-seq lymphoblastoid silent region 5699; plus strand). Cytogenetic location: 14q21.3.
Variant type: Deletion.
Coding change: c.1089del on transcript NM_018139.3 (MANE Select); coding-DNA position 1089, one base deleted (C; older notation c.1089delC).
Protein change: p.Ala364fs; shifts the reading frame from alanine 364.
Molecular consequence: frameshift variant.
Genome position (GRCh38, 1-based): chr14:49,634,061, G deleted on the plus strand (C on the coding strand, the reverse complement: DNAAF2 is on the minus strand); the first of 2 consecutive G bases (chr14:49,634,061-49,634,062); deleting either gives the same sequence. VCF-style (leftmost placement, unchanged base first): chr14-49634060-CG-C. GRCh37 (hg19) VCF-style: chr14-50100778-CG-C.
Other names: c.1089del, p.Ala364fs (NM_001083908.2); short protein forms A364fs.
Identifiers: ClinVar variation 4720792 (VCV004720792.1).
Genomic context (GRCh38, chr14:49,634,060, plus strand): 5'-GAGCGGAAGCGCAGGCCTGGCCGTCAGTTCCGGACCGGTCCGCGGACTCTTCCGGCGCGG[CG>C]GCGGCGACGGCGACAGCGGGCTCCCGGCGCGCGGCCGGCAGCACCACTGGCAGCGTAACC-3'

ClinVar aggregate classification (germline): Pathogenic (1 of 4 stars; one submission).

Conditions:
Primary ciliary dyskinesia. Also called: Ciliary dyskinesia. Identifiers: Orphanet 244, MedGen C0008780, MONDO:0016575, HP:0012265.

Submission:

Labcorp Genetics (formerly Invitae), Labcorp
Classification: Pathogenic for Primary ciliary dyskinesia. Last evaluated: 2025-06-04. Review status: criteria provided, single submitter. Criteria: Invitae Variant Classification Sherloc (09022015). Collection method: clinical testing. Allele origin: germline.
Comment: This sequence change creates a premature translational stop signal (p.Ala364Profs*77) in the DNAAF2 gene. It is expected to result in an absent or disrupted protein product. Loss-of-function variants in DNAAF2 are known to be pathogenic (PMID: 19052621, 24498942). This variant is not present in population databases (gnomAD no frequency). This variant has not been reported in the literature in individuals affected with DNAAF2-related conditions. For these reasons, this variant has been classified as Pathogenic.

Literature cited by the submitters: PubMed 19052621; PubMed 24498942.